The following is an entry in ClinVar:

ClinVar aggregate classification (germline): Uncertain significance (1 of 4 stars; one submission).

Allele frequency attached by ClinVar (database versions not stated): TOPMed below 0.00001.

Submission:

Labcorp Genetics (formerly Invitae), Labcorp
Classification: Uncertain significance. Last evaluated: 2025-08-11. Review status: criteria provided, single submitter. Criteria: Invitae Variant Classification Sherloc (09022015). Collection method: clinical testing. Allele origin: germline.
Comment: This sequence change replaces glycine, which is neutral and non-polar, with aspartic acid, which is acidic and polar, at codon 150 of the KLF1 protein (p.Gly150Asp). This variant is not present in population databases (gnomAD no frequency). This variant has not been reported in the literature in individuals affected with KLF1-related conditions. ClinVar contains an entry for this variant (Variation ID: 2826566). Invitae Evidence Modeling of protein sequence and biophysical properties (such as structural, functional, and spatial information, amino acid conservation, physicochemical variation, residue mobility, and thermodynamic stability) indicates that this missense variant is not expected to disrupt KLF1 protein function with a negative predictive value of 80%. In summary, the available evidence is currently insufficient to determine the role of this variant in disease. Therefore, it has been classified as a Variant of Uncertain Significance.

NM_006563.5(KLF1):c.449G>A (p.Gly150Asp)

Genes: KLF1 (KLF transcription factor 1; minus strand), LOC130063673 (ATAC-STARR-seq lymphoblastoid silent region 10180; plus strand). Cytogenetic location: 19p13.13.
Variant type: single nucleotide variant.
Coding change: c.449G>A on transcript NM_006563.5 (MANE Select); coding-DNA position 449, G replaced by A.
Protein change: p.Gly150Asp; replaces glycine 150 with aspartic acid.
Molecular consequence: missense variant.
Genome position (GRCh38, 1-based): chr19:12,885,781, C>T on the plus strand (G>A on the coding strand, the complement: KLF1 is on the minus strand). VCF-style: chr19-12885781-C-T. GRCh37 (hg19) VCF-style: chr19-12996595-C-T.
Other names: short protein forms G150D.
Identifiers: ClinVar variation 2826566 (VCV002826566.3), dbSNP rs1227351853, ClinGen allele CA404309280.